The following is an entry in ClinVar:

NM_000038.6(APC):c.362G>A (p.Arg121Lys)

Gene: APC (APC regulator of Wnt signaling pathway; plus strand). Cytogenetic location: 5q22.2.
Variant type: single nucleotide variant.
Coding change: c.362G>A on transcript NM_000038.6 (MANE Select); coding-DNA position 362, G replaced by A.
Protein change: p.Arg121Lys; replaces arginine 121 with lysine.
Molecular consequence: missense variant. On other transcripts: 5 prime UTR variant (1).
Genome position (GRCh38, 1-based): chr5:112,767,330, G>A. VCF-style: chr5-112767330-G-A. GRCh37 (hg19) VCF-style: chr5-112103027-G-A.
Other names: c.362G>A, p.Arg121Lys (NM_001127510.3, NM_001354895.2, NM_001354896.2 and 2 more transcripts); c.392G>A, p.Arg131Lys (NM_001127511.3, NM_001354897.2, NM_001354902.2); c.287G>A, p.Arg96Lys (NM_001354898.2, NM_001354904.2); c.185G>A, p.Arg62Lys (NM_001354900.2, NM_001354901.2, NM_001354905.2); c.-674G>A (NM_001354906.2); short protein forms R131K, R62K, R96K, R121K.
Identifiers: ClinVar variation 859634 (VCV000859634.18), dbSNP rs193049694, ClinGen allele CA035988.
Genomic context (GRCh38, chr5:112,767,330, plus strand): 5'-GATCTGTATCAAGCCGTTCTGGAGAGTGCAGTCCTGTTCCTATGGGTTCATTTCCAAGAA[G>A]AGGGTTTGTAAATGGAAGCAGAGAAAGTACTGGATATTTAGAAGAACTTGAGAAAGAGAG-3'
Protein context (NP_000029.2, residues 111-131): SPVPMGSFPR[Arg121Lys]GFVNGSREST

ClinVar aggregate classification (germline): Uncertain significance. Review status: criteria provided, multiple submitters, no conflicts (2 of 4 stars). 6 submissions from 6 submitters: Uncertain significance (6). Last evaluated 2025-12-10.

Conditions:
Classic or attenuated familial adenomatous polyposis. Identifiers: MedGen CN372698, MONDO:0021057.
Hereditary cancer-predisposing syndrome. Also called: Tumor predisposition; Hereditary neoplastic syndrome; Neoplastic Syndromes, Hereditary; Hereditary Cancer Syndrome. Identifiers: Orphanet 140162, MedGen C0027672, MeSH D009386, MONDO:0015356.
Familial adenomatous polyposis 1 (FAP1). Also called: POLYPOSIS, ADENOMATOUS INTESTINAL; FAMILIAL ADENOMATOUS POLYPOSIS 1, ATTENUATED. Identifiers: MedGen C2713442, MONDO:0021056, OMIM 175100. Disease mechanism: loss of function.

Allele frequency attached by ClinVar (database versions not stated): 1000 Genomes Project 30x 0.00016.

Submissions (6):

Labcorp Genetics (formerly Invitae), Labcorp
Classification: Uncertain significance for Familial adenomatous polyposis 1. Last evaluated: 2025-12-10. Review status: criteria provided, single submitter. Criteria: Invitae Variant Classification Sherloc (09022015). Collection method: clinical testing. Allele origin: germline.
Comment: This sequence change replaces arginine, which is basic and polar, with lysine, which is basic and polar, at codon 121 of the APC protein (p.Arg121Lys). This variant is present in population databases (rs193049694, gnomAD 0.003%). This variant has not been reported in the literature in individuals affected with APC-related conditions. ClinVar contains an entry for this variant (Variation ID: 859634). Invitae Evidence Modeling of protein sequence and biophysical properties (such as structural, functional, and spatial information, amino acid conservation, physicochemical variation, residue mobility, and thermodynamic stability) indicates that this missense variant is not expected to disrupt APC protein function with a negative predictive value of 95%. In summary, the available evidence is currently insufficient to determine the role of this variant in disease. Therefore, it has been classified as a Variant of Uncertain Significance.

Ambry Genetics
Classification: Uncertain significance for Hereditary cancer-predisposing syndrome. Last evaluated: 2025-04-12. Review status: criteria provided, single submitter. Criteria: Ambry Variant Classification Scheme 2023. Collection method: clinical testing. Allele origin: germline.
Comment: The p.R121K variant (also known as c.362G>A), located in coding exon 3 of the APC gene, results from a G to A substitution at nucleotide position 362. The arginine at codon 121 is replaced by lysine, an amino acid with highly similar properties. This amino acid position is highly conserved in available vertebrate species. In addition, in silico predictors for this gene do not accurately predict pathogenicity. Since supporting evidence is limited at this time, the clinical significance of this alteration remains unclear.

Color Diagnostics, LLC DBA Color Health
Classification: Uncertain significance for Hereditary cancer-predisposing syndrome. Last evaluated: 2024-10-15. Review status: criteria provided, single submitter. Criteria: ACMG Guidelines, 2015. Collection method: clinical testing. Allele origin: germline.
Comment: This missense variant replaces arginine with lysine at codon 121 of the APC protein. Computational prediction suggests that this variant may not impact protein structure and function (internally defined REVEL score threshold <= 0.5, PMID: 27666373). To our knowledge, functional studies have not been reported for this variant. This variant has not been reported in individuals affected with APC-related disorders in the literature. This variant has been identified in 2/282868 chromosomes in the general population by the Genome Aggregation Database (gnomAD). The available evidence is insufficient to determine the role of this variant in disease conclusively. Therefore, this variant is classified as a Variant of Uncertain Significance.

All of Us Research Program, National Institutes of Health
Classification: Uncertain significance for Classic or attenuated familial adenomatous polyposis. Last evaluated: 2023-11-30. Review status: criteria provided, single submitter. Criteria: ACMG Guidelines, 2015. Collection method: clinical testing. Allele origin: germline. Inheritance: Autosomal dominant inheritance. Observed: 1 variant allele, 1 heterozygote.
Comment: This study involves interpretation of variants in research participants for the purpose of population health screening. Participant phenotype was not available at the time of variant classification. Additional details can be found in publication PMID: 35346344, PMCID: PMC8962531

GeneDx
Classification: Uncertain significance. Last evaluated: 2023-11-30. Review status: criteria provided, single submitter. Criteria: GeneDx Variant Classification Process June 2021. Collection method: clinical testing. Allele origin: germline. Affected: yes.
Comment: Not observed at significant frequency in large population cohorts (gnomAD); In silico analysis supports that this missense variant does not alter protein structure/function; Has not been previously published as pathogenic or benign to our knowledge

Quest Diagnostics Nichols Institute San Juan Capistrano
Classification: Uncertain significance. Last evaluated: 2021-07-21. Review status: criteria provided, single submitter. Criteria: Quest Diagnostics criteria. Collection method: clinical testing. Allele origin: unknown.